The following is an entry in ClinVar:

NM_012448.4(STAT5B):c.1382C>T (p.Thr461Ile)

Gene: STAT5B (signal transducer and activator of transcription 5B; minus strand). Cytogenetic location: 17q21.2.
Variant type: single nucleotide variant.
Coding change: c.1382C>T on transcript NM_012448.4 (MANE Select); coding-DNA position 1382, C replaced by T.
Protein change: p.Thr461Ile; replaces threonine 461 with isoleucine.
Molecular consequence: missense variant.
Genome position (GRCh38, 1-based): chr17:42,216,105, G>A on the plus strand (C>T on the coding strand, the complement: STAT5B is on the minus strand). VCF-style: chr17-42216105-G-A. GRCh37 (hg19) VCF-style: chr17-40368123-G-A.
Other names: short protein forms T461I.
Identifiers: ClinVar variation 2909086 (VCV002909086.3), dbSNP rs2080169504, ClinGen allele CA399580796.

ClinVar aggregate classification (germline): Uncertain significance (1 of 4 stars; one submission).

Conditions:
Growth hormone insensitivity with immune dysregulation 1, autosomal recessive. Also called: GROWTH HORMONE INSENSITIVITY SYNDROME WITH IMMUNE DYSREGULATION 1, AUTOSOMAL RECESSIVE; Laron syndrome with immunodeficiency; GROWTH HORMONE INSENSITIVITY DUE TO POSTRECEPTOR DEFECT; LARON SYNDROME DUE TO POSTRECEPTOR DEFECT. Identifiers: Orphanet 220465, MedGen C5435698, MONDO:0100211, OMIM 245590.

Allele frequency attached by ClinVar (database versions not stated): gnomAD exomes below 0.00001; TOPMed below 0.00001.
gnomAD v4.1: 1 of 1,612,516 alleles (0.000062%); highest among the groups gnomAD compares: Non-Finnish European, 0.000085%; no homozygotes.

Submission:

Labcorp Genetics (formerly Invitae), Labcorp
Classification: Uncertain significance for Growth hormone insensitivity with immune dysregulation 1, autosomal recessive. Last evaluated: 2025-04-08. Review status: criteria provided, single submitter. Criteria: Invitae Variant Classification Sherloc (09022015). Collection method: clinical testing. Allele origin: germline.
Comment: This sequence change replaces threonine, which is neutral and polar, with isoleucine, which is neutral and non-polar, at codon 461 of the STAT5B protein (p.Thr461Ile). This variant is not present in population databases (gnomAD no frequency). This variant has not been reported in the literature in individuals affected with STAT5B-related conditions. ClinVar contains an entry for this variant (Variation ID: 2909086). An algorithm developed to predict the effect of missense changes on protein structure and function (PolyPhen-2) suggests that this variant is likely to be tolerated. In summary, the available evidence is currently insufficient to determine the role of this variant in disease. Therefore, it has been classified as a Variant of Uncertain Significance.